The following is an entry in ClinVar:

NM_006912.6(RIT1):c.550A>G (p.Arg184Gly)

Gene: RIT1 (Ras like without CAAX 1; minus strand). Cytogenetic location: 1q22.
Variant type: single nucleotide variant.
Coding change: c.550A>G on transcript NM_006912.6 (MANE Select); coding-DNA position 550, A replaced by G.
Protein change: p.Arg184Gly; replaces arginine 184 with glycine.
Molecular consequence: missense variant.
Genome position (GRCh38, 1-based): chr1:155,900,498, T>C on the plus strand (A>G on the coding strand, the complement: RIT1 is on the minus strand). VCF-style: chr1-155900498-T-C. GRCh37 (hg19) VCF-style: chr1-155870289-T-C.
Other names: c.601A>G (NM_001256821.1); c.442A>G, p.Arg148Gly (NM_001256820.2); c.601A>G, p.Arg201Gly (NM_001256821.2); short protein forms R148G, R184G, R201G.
Identifiers: ClinVar variation 2167719 (VCV002167719.7), dbSNP rs1453467370, ClinGen allele CA342801170.

ClinVar aggregate classification (germline): Uncertain significance. Review status: criteria provided, multiple submitters, no conflicts (2 of 4 stars). 2 submissions from 2 submitters: Uncertain significance (2). Last evaluated 2026-04-07.

Conditions:
RIT1-related disorder. Also called: RIT1-related condition.
Noonan syndrome 8 (NS8). Identifiers: Orphanet 648, MedGen C3809233, MONDO:0014143, OMIM 615355.

Allele frequency attached by ClinVar (database versions not stated): gnomAD exomes below 0.00001.
gnomAD v4.1: 4 of 1,614,166 alleles (0.00025%); highest among the groups gnomAD compares: Non-Finnish European, 0.00034%; no homozygotes.

Submissions (2):

PreventionGenetics, part of Exact Sciences
Classification: Uncertain significance for RIT1-related condition. Last evaluated: 2026-04-07. Review status: criteria provided, single submitter. Criteria: ACMG Guidelines, 2015. Collection method: clinical testing. Allele origin: germline.
Comment: The RIT1 c.601A>G variant is predicted to result in the amino acid substitution p.Arg201Gly. To our knowledge, this variant has not been reported in the literature or in a large population database (as displayed in the table above). However, in gnomAD v4 (available only on GRCh38), this variant is reported in 0.0003% of alleles in a subpopulation. At this time, the clinical significance of this variant is uncertain due to the absence of conclusive functional and genetic evidence.

Labcorp Genetics (formerly Invitae), Labcorp
Classification: Uncertain significance for Noonan syndrome 8. Last evaluated: 2022-04-25. Review status: criteria provided, single submitter. Criteria: Invitae Variant Classification Sherloc (09022015). Collection method: clinical testing. Allele origin: germline.
Comment: In summary, the available evidence is currently insufficient to determine the role of this variant in disease. Therefore, it has been classified as a Variant of Uncertain Significance. Advanced modeling of protein sequence and biophysical properties (such as structural, functional, and spatial information, amino acid conservation, physicochemical variation, residue mobility, and thermodynamic stability) performed at Invitae indicates that this missense variant is not expected to disrupt RIT1 protein function. This variant has not been reported in the literature in individuals affected with RIT1-related conditions. This variant is not present in population databases (gnomAD no frequency). This sequence change replaces arginine, which is basic and polar, with glycine, which is neutral and non-polar, at codon 184 of the RIT1 protein (p.Arg184Gly).